The following is an entry in ClinVar:

NM_013254.4(TBK1):c.352G>A (p.Asp118Asn)

Gene: TBK1 (TANK binding kinase 1; plus strand). Cytogenetic location: 12q14.2.
Variant type: single nucleotide variant.
Coding change: c.352G>A on transcript NM_013254.4 (MANE Select); coding-DNA position 352, G replaced by A.
Protein change: p.Asp118Asn; replaces aspartic acid 118 with asparagine.
Molecular consequence: missense variant.
Genome position (GRCh38, 1-based): chr12:64,464,457, G>A. VCF-style: chr12-64464457-G-A. GRCh37 (hg19) VCF-style: chr12-64858237-G-A.
Other names: short protein forms D118N.
Identifiers: ClinVar variation 1705557 (VCV001705557.1), dbSNP rs200879808, ClinGen allele CA6668770.

ClinVar aggregate classification (germline): Likely pathogenic (1 of 4 stars; one submission).

Conditions:
Frontotemporal dementia and/or amyotrophic lateral sclerosis 4. Also called: FTDALS4. Identifiers: Orphanet 275872, MedGen C4225325, MONDO:0014641, OMIM 616439.

Allele frequency attached by ClinVar (database versions not stated): ExAC 0.00001; gnomAD 0.00001; 1000 Genomes Project 30x 0.00016.

Submission:

3billion
Classification: Likely pathogenic for Frontotemporal dementia and/or amyotrophic lateral sclerosis 4. Last evaluated: 2022-09-01. Review status: criteria provided, single submitter. Criteria: ACMG Guidelines, 2015. Collection method: clinical testing. Allele origin: germline. Affected: yes. Observed: 1 heterozygote.
Comment: The variant is observed at an extremely low frequency in the gnomAD v2.1.1 dataset (total allele frequency: <0.001%). Functional studies provide strong evidence of the variant having a damaging effect on the gene or gene product (PMID: 28822984). In silico tool predictions suggest damaging effect of the variant on gene or gene product (REVEL: 0.13; 3Cnet: 0.89). Same nucleotide change resulting in same amino acid change has been previously reported to be associated with TBK1-related disorder (PMID: 28822984). Therefore, this variant is classified as Likely pathogenic according to the recommendation of ACMG/AMP guideline.

Literature cited by the submitters: PubMed 28822984.